The following is an entry in ClinVar:

ClinVar aggregate classification (germline): Uncertain significance (1 of 4 stars; one submission).

Submission:

Labcorp Genetics (formerly Invitae), Labcorp
Classification: Uncertain significance. Last evaluated: 2025-12-03. Review status: criteria provided, single submitter. Criteria: Invitae Variant Classification Sherloc (09022015). Collection method: clinical testing. Allele origin: germline.
Comment: This sequence change replaces tyrosine, which is neutral and polar, with serine, which is neutral and polar, at codon 1732 of the ALPK3 protein (p.Tyr1732Ser). This variant is not present in population databases (gnomAD no frequency). This variant has not been reported in the literature in individuals affected with ALPK3-related conditions. Invitae Evidence Modeling of protein sequence and biophysical properties (such as structural, functional, and spatial information, amino acid conservation, physicochemical variation, residue mobility, and thermodynamic stability) indicates that this missense variant is not expected to disrupt ALPK3 protein function with a negative predictive value of 80%. In summary, the available evidence is currently insufficient to determine the role of this variant in disease. Therefore, it has been classified as a Variant of Uncertain Significance.

NM_020778.5(ALPK3):c.4589A>C (p.Tyr1530Ser)

Gene: ALPK3 (alpha kinase 3; plus strand). Cytogenetic location: 15q25.3.
Variant type: single nucleotide variant.
Coding change: c.4589A>C on transcript NM_020778.5 (MANE Select); coding-DNA position 4589, A replaced by C.
Protein change: p.Tyr1530Ser; replaces tyrosine 1530 with serine.
Molecular consequence: missense variant.
Genome position (GRCh38, 1-based): chr15:84,864,531, A>C. VCF-style: chr15-84864531-A-C. GRCh37 (hg19) VCF-style: chr15-85407762-A-C.
Other names: short protein forms Y1530S.
Identifiers: ClinVar variation 4811449 (VCV004811449.1).